The following is an entry in ClinVar:

ClinVar aggregate classification (germline): Uncertain significance. Review status: criteria provided, multiple submitters, no conflicts (2 of 4 stars). 3 submissions from 3 submitters: Uncertain significance (3). Last evaluated 2025-03-19.

Conditions:
Inborn genetic diseases. Identifiers: MedGen C0950123, MeSH D030342.
Glycogen storage disease, type VII (GSD7). Also called: MUSCLE PHOSPHOFRUCTOKINASE DEFICIENCY; PFKM DEFICIENCY; TARUI DISEASE; GSD VII. Identifiers: Orphanet 371, MedGen C0017926, MONDO:0009295, OMIM 232800.

Allele frequency attached by ClinVar (database versions not stated): gnomAD exomes below 0.00001; TOPMed below 0.00001; ExAC 0.00001; gnomAD 0.00001.

Submissions (3):

Ambry Genetics
Classification: Uncertain significance for Inborn genetic diseases. Last evaluated: 2025-03-19. Review status: criteria provided, single submitter. Criteria: Ambry Variant Classification Scheme 2023. Collection method: clinical testing. Allele origin: germline.

Labcorp Genetics (formerly Invitae), Labcorp
Classification: Uncertain significance for Glycogen storage disease, type VII. Last evaluated: 2022-04-07. Review status: criteria provided, single submitter. Criteria: Invitae Variant Classification Sherloc (09022015). Collection method: clinical testing. Allele origin: germline.
Comment: This sequence change replaces glycine, which is neutral and non-polar, with aspartic acid, which is acidic and polar, at codon 29 of the PFKM protein (p.Gly29Asp). This variant is present in population databases (rs765238662, gnomAD 0.002%). This missense change has been observed in individual(s) with clinical features of glycogen storage disease type VII (Invitae). In at least one individual the data is consistent with being in trans (on the opposite chromosome) from a pathogenic variant. Algorithms developed to predict the effect of missense changes on protein structure and function are either unavailable or do not agree on the potential impact of this missense change (SIFT: "Deleterious"; PolyPhen-2: "Probably Damaging"; Align-GVGD: "Class C0"). In summary, the available evidence is currently insufficient to determine the role of this variant in disease. Therefore, it has been classified as a Variant of Uncertain Significance.

Revvity Omics, Revvity
Classification: Uncertain significance for Glycogen storage disease, type VII. Last evaluated: 2021-10-20. Review status: criteria provided, single submitter. Criteria: ACMG Guidelines, 2015. Collection method: clinical testing. Allele origin: germline.

NM_000289.6(PFKM):c.86G>A (p.Gly29Asp)

Gene: PFKM (phosphofructokinase, muscle; plus strand). Cytogenetic location: 12q13.11.
Variant type: single nucleotide variant.
Coding change: c.86G>A on transcript NM_000289.6 (MANE Select); coding-DNA position 86, G replaced by A.
Protein change: p.Gly29Asp; replaces glycine 29 with aspartic acid.
Molecular consequence: missense variant. On other transcripts: 5 prime UTR variant (1), non-coding transcript variant (4), intron variant (2).
Genome position (GRCh38, 1-based): chr12:48,130,363, G>A. VCF-style: chr12-48130363-G-A. GRCh37 (hg19) VCF-style: chr12-48524146-G-A.
Other names: c.299G>A, p.Gly100Asp (NM_001166686.2, NM_001354737.1, NM_001354738.1 and 1 more transcripts); c.86G>A, p.Gly29Asp (NM_001166687.2, NM_001166688.2, NM_001354742.2 and 4 more transcripts); c.395G>A, p.Gly132Asp (NM_001354735.1, NM_001354736.1); c.230G>A, p.Gly77Asp (NM_001354740.1); c.110G>A, p.Gly37Asp (NM_001354741.2); c.-2G>A (NM_001354745.2); c.10-953G>A (NM_001354747.2, NM_001354748.2); c.86G>A (NM_000289.5); short protein forms G100D, G132D, G29D, G37D, G77D.
Identifiers: ClinVar variation 2072792 (VCV002072792.5), dbSNP rs765238662, ClinGen allele CA6536885.
Genomic context (GRCh38, chr12:48,130,363, plus strand): 5'-TTCCAGGGCGCCTTTTCTTAGGAGCAACCTCTCCGTGACTTCTTTTGTCCCTCCTTTCAG[G>A]TATGAATGCTGCTGTCAGGGCTGTGGTTCGAGTTGGTATCTTCACCGGTGCCCGTGTCTT-3'
Protein context (NP_000280.1, residues 19-39): AVLTSGGDAQ[Gly29Asp]MNAAVRAVVR